The following is an entry in ClinVar:

ClinVar aggregate classification (germline): Benign/Likely benign. Review status: criteria provided, multiple submitters, no conflicts (2 of 4 stars). 4 submissions from 4 submitters: Benign (1); Likely benign (2). 1 of the submissions does not count toward it. Last evaluated 2026-03-01.

Conditions:
KDM6B-related disorder. Also called: KDM6B-related condition.

Allele frequency attached by ClinVar (database versions not stated): gnomAD 0.00241 and 0.00260; TOPMed 0.00265; ExAC 0.00068; 1000 Genomes Project 0.00180; ESP Exome Variant Server 0.00200; 1000 Genomes Project 30x 0.00234.

Submissions (4):

CeGaT Center for Human Genetics Tuebingen
Classification: Likely benign. Last evaluated: 2026-03-01. Review status: criteria provided, single submitter. Criteria: CeGaT Center For Human Genetics Tuebingen Variant Classification Criteria Version 2. Collection method: clinical testing. Allele origin: germline. Affected: yes. Observed: 1 variant allele.
Comment: KDM6B: BP4, BP7, BS1

Blueprint Genetics
Classification: Likely benign. Last evaluated: 2024-10-16. Review status: criteria provided, single submitter. Criteria: ACMG Guidelines, 2015. Collection method: clinical testing. Allele origin: germline.

Labcorp Genetics (formerly Invitae), Labcorp
Classification: Benign. Last evaluated: 2018-12-13. Review status: criteria provided, single submitter. Criteria: Invitae Variant Classification Sherloc (09022015). Collection method: clinical testing. Allele origin: germline.

PreventionGenetics, part of Exact Sciences
Classification: Likely benign for KDM6B-related condition. Last evaluated: 2019-02-21. Review status: no assertion criteria provided. Collection method: clinical testing. Allele origin: germline. Not counted in ClinVar's aggregate classification.
Comment: This variant is classified as likely benign based on ACMG/AMP sequence variant interpretation guidelines (Richards et al. 2015 PMID: 25741868, with internal and published modifications).

NM_001348716.2(KDM6B):c.165G>A (p.Pro55=)

Gene: KDM6B (lysine demethylase 6B; plus strand). Cytogenetic location: 17p13.1.
Variant type: single nucleotide variant.
Coding change: c.165G>A on transcript NM_001348716.2 (MANE Select); coding-DNA position 165, G replaced by A.
Protein change: p.Pro55=; no amino-acid change (proline 55 retained).
Molecular consequence: synonymous variant.
Genome position (GRCh38, 1-based): chr17:7,845,899, G>A. VCF-style: chr17-7845899-G-A. GRCh37 (hg19) VCF-style: chr17-7749217-G-A.
Other names: c.165G>A, p.Pro55= (NM_001080424.2).
Identifiers: ClinVar variation 781252 (VCV000781252.10), dbSNP rs148819146, ClinGen allele CA8360093.